The following is an entry in ClinVar:

NM_000238.4(KCNH2):c.2744C>T (p.Ala915Val)

Gene: KCNH2 (potassium voltage-gated channel subfamily H member 2; minus strand). Cytogenetic location: 7q36.1.
Variant type: single nucleotide variant.
Coding change: c.2744C>T on transcript NM_000238.4 (MANE Select); coding-DNA position 2744, C replaced by T.
Protein change: p.Ala915Val; replaces alanine 915 with valine.
Molecular consequence: missense variant.
Genome position (GRCh38, 1-based): chr7:150,947,827, G>A on the plus strand (C>T on the coding strand, the complement: KCNH2 is on the minus strand). VCF-style: chr7-150947827-G-A. GRCh37 (hg19) VCF-style: chr7-150644915-G-A.
Other names: c.1724C>T, p.Ala575Val (NM_172057.3); c.2744C>T (LRG_288t1); short protein forms A575V, A915V.
Identifiers: ClinVar variation 67431 (VCV000067431.2), dbSNP rs199473437, ClinGen allele CA007271.

ClinVar aggregate classification (germline): Uncertain significance. Review status: criteria provided, single submitter (1 of 4 stars). 2 submissions from 2 submitters: Uncertain significance (1). 1 of the submissions does not count toward it. Last evaluated 2023-05-16.

Conditions:
Long QT syndrome (LQTS). Identifiers: MedGen C0023976, MeSH D008133, MONDO:0002442. Disease mechanism: loss of function. Inheritance: Various modes of inheritance.

Allele frequency attached by ClinVar (database versions not stated): gnomAD exomes below 0.00001; TOPMed below 0.00001; gnomAD 0.00001.
gnomAD v4.1: 2 of 1,525,490 alleles (0.00013%); highest among the groups gnomAD compares: African/African-American, 0.0014%; no homozygotes.

Submissions (2):

All of Us Research Program, National Institutes of Health
Classification: Uncertain significance for Long QT syndrome. Last evaluated: 2023-05-16. Review status: criteria provided, single submitter. Criteria: ACMG Guidelines, 2015. Collection method: clinical testing. Allele origin: germline. Inheritance: Autosomal dominant inheritance. Observed: 1 variant allele, 1 heterozygote.
Comment: This missense variant replaces alanine with valine at codon 915 of the KCNH2 protein. A functional study has shown that this variant has no significant impact on channel functions in transfected CHO cells (PMID: 19673885). This variant has been reported in several individuals from an Asian control cohort in a study (PMID: 19841300). This variant has not been identified in the general population by the Genome Aggregation Database (gnomAD). The available evidence is insufficient to determine the role of this variant in disease conclusively. Therefore, this variant is classified as a Variant of Uncertain Significance.

This study involves interpretation of variants in research participants for the purpose of population health screening. Participant phenotype was not available at the time of variant classification. Additional details can be found in publication PMID: 35346344, PMCID: PMC8962531

Cardiovascular Biomedical Research Unit, Royal Brompton & Harefield NHS Foundation Trust
No classification provided. Review status: no classification provided. Collection method: literature only. Allele origin: germline. Not counted in ClinVar's aggregate classification.
Comment: This variant has been reported in the following publications (PMID:14661677;PMID:19841300).

Literature cited by the submitters: PubMed 19673885 (cited by All of Us Research Program, National Institutes of Health); PubMed 19841300 (cited by All of Us Research Program, National Institutes of Health and Cardiovascular Biomedical Research Unit, Royal Brompton & Harefield NHS Foundation Trust); PubMed 14661677 (cited by Cardiovascular Biomedical Research Unit, Royal Brompton & Harefield NHS Foundation Trust); PubMed 22581653 (cited by Cardiovascular Biomedical Research Unit, Royal Brompton & Harefield NHS Foundation Trust).